The following is an entry in ClinVar:

ClinVar aggregate classification (germline): Uncertain significance (1 of 4 stars; one submission).

Submission:

Ambry Genetics
Classification: Uncertain significance. Last evaluated: 2024-09-04. Review status: criteria provided, single submitter. Criteria: Ambry Variant Classification Scheme 2023. Collection method: clinical testing. Allele origin: germline.
Comment: The p.T205I variant (also known as c.614C>T), located in coding exon 5 of the PDLIM3 gene, results from a C to T substitution at nucleotide position 614. The threonine at codon 205 is replaced by isoleucine, an amino acid with similar properties. This amino acid position is conserved. In addition, this alteration is predicted to be tolerated by in silico analysis. Based on the available evidence, the clinical significance of this variant remains unclear.

NM_014476.6(PDLIM3):c.614C>T (p.Thr205Ile)

Gene: PDLIM3 (PDZ and LIM domain 3; minus strand). Cytogenetic location: 4q35.1.
Variant type: single nucleotide variant.
Coding change: c.614C>T on transcript NM_014476.6 (MANE Select); coding-DNA position 614, C replaced by T.
Protein change: p.Thr205Ile; replaces threonine 205 with isoleucine.
Molecular consequence: missense variant. On other transcripts: intron variant (3).
Genome position (GRCh38, 1-based): chr4:185,508,347, G>A on the plus strand (C>T on the coding strand, the complement: PDLIM3 is on the minus strand). VCF-style: chr4-185508347-G-A. GRCh37 (hg19) VCF-style: chr4-186429501-G-A.
Other names: c.162-1695C>T (NM_001257963.2); c.399-1695C>T (NM_001257962.2); c.519-1695C>T (NM_001114107.5); short protein forms T205I.
Identifiers: ClinVar variation 3416599 (VCV003416599.1).